The following is an entry in ClinVar:

NM_001135608.3(ARHGAP26):c.1245delinsGTGGGG (p.Val416fs)

Gene: ARHGAP26 (Rho GTPase activating protein 26; plus strand). Cytogenetic location: 5q31.3.
Variant type: Indel.
Coding change: c.1245delinsGTGGGG on transcript NM_001135608.3 (MANE Select); coding-DNA position 1245, T replaced by GTGGGG.
Protein change: p.Val416fs; shifts the reading frame from valine 416.
Molecular consequence: frameshift variant. On other transcripts: non-coding transcript variant (1).
Genome position (GRCh38, 1-based): chr5:143,041,850, T replaced by GTGGGG. VCF-style: chr5-143041850-T-GTGGGG. GRCh37 (hg19) VCF-style: chr5-142421415-T-GTGGGG.
Other names: c.1137delinsGTGGGG, p.Val380fs (NM_001349547.2); c.1245delinsGTGGGG, p.Val416fs (NM_015071.6); short protein forms V380fs, V416fs.
Identifiers: ClinVar variation 133541 (VCV000133541.1), dbSNP rs587778047, ClinGen allele CA156901.

ClinVar aggregate classification (germline): not provided (0 of 4 stars; one submission).

Submission:

ITMI
No classification provided. Condition: AllHighlyPenetrant. Last evaluated: 2013-09-19. Review status: no classification provided. Collection method: reference population. Allele origin: germline.
Comment: Please see associated publication for description of ethnicities

Literature cited by the submitters: PubMed 24728327.